The following is an entry in ClinVar:

ClinVar aggregate classification (germline): Pathogenic/Likely pathogenic. Review status: criteria provided, multiple submitters, no conflicts (2 of 4 stars). 10 submissions from 10 submitters: Pathogenic (4); Likely pathogenic (5). 1 of the submissions does not count toward it. Last evaluated 2026-08-06.

Conditions:
SLC13A5-related disorder. Also called: SLC13A5-related condition.
Developmental and epileptic encephalopathy, 25 (DEE25). Also called: Developmental and epileptic encephalopathy 25, with amelogenesis imperfecta; Epileptic encephalopathy, early infantile, 25, with amelogenesis imperfecta; Epileptic encephalopathy, early infantile, 25. Identifiers: Orphanet 442835, MedGen C4014621, MONDO:0014392, OMIM 615905.
Intellectual disability. Also called: Intellectual functioning disability; intellectual disabilities; Intellectual developmental disorder. Identifiers: MedGen C3714756, MeSH D008607, MONDO:0001071, HP:0001249.

Allele frequency attached by ClinVar (database versions not stated): gnomAD 0.00001; gnomAD exomes 0.00001; TOPMed 0.00001; ExAC 0.00002.
gnomAD v4.1: 19 of 1,613,160 alleles (0.0012%); highest among the groups gnomAD compares: Admixed American, 0.0033%; no homozygotes.

Submissions (10):

OLLIN Analises Genomicas, OLLIN
Classification: Pathogenic for Developmental and epileptic encephalopathy, 25. Last evaluated: 2026-08-06. Review status: criteria provided, single submitter. Criteria: ACMG Guidelines 2015 PMID 25741868. Collection method: clinical testing. Allele origin: germline. Inheritance: Autosomal recessive inheritance.
Comment: This missense variant, located in exon 4 (of 12), has been reported in ClinVar (accession VCV000218173.25), in gnomAD with an allele frequency of 0.0012%, and in the scientific literature, segregating with the phenotype and in compound heterozygosity, in individuals with SLC13A5 related disorders (PMID: 26384929, 32551328, 33063863, 29138412). In silico analysis is inconclusive regarding the impact of this variant; however, functional studies suggest that it may affect protein function (PMID: 26384929). According to the currently available evidence, this variant has been classified as pathogenic (PS3_P, PM2_P, PM3_VS, PP1).

PreventionGenetics, part of Exact Sciences
Classification: Likely pathogenic for SLC13A5-related condition. Last evaluated: 2024-10-23. Review status: criteria provided, single submitter. Criteria: ACMG Guidelines, 2015. Collection method: clinical testing. Allele origin: germline.
Comment: The SLC13A5 c.425C>T variant is predicted to result in the amino acid substitution p.Thr142Met. This variant has been reported in the compound heterozygous state in multiple individuals affected with autosomal recessive developmental epileptic encephalopathy, intellectual disability, and amelogenesis imperfecta (Schossig et al. 2017. PubMed ID: 27600704; Yang et al. 2020. PubMed ID: 32551328 ). Experimental studies in vitro indicate that the p.Thr142Met variant was unable to transport labeled citrate over the plasma membrane, which is consistent with loss of function (Hardies et al 2015. PubMed ID: 26384929). This variant is reported in 0.0033% of alleles in individuals of South Asian descent in gnomAD. Based on the available evidence, we classify this variant as likely pathogenic.

GeneDx
Classification: Pathogenic. Last evaluated: 2024-07-29. Review status: criteria provided, single submitter. Criteria: GeneDx Variant Classification Process June 2021. Collection method: clinical testing. Allele origin: germline. Affected: yes.
Comment: Published functional studies demonstrate a damaging effect: T142M abolishes transporter function (PMID: 26384929); Not observed at significant frequency in large population cohorts (gnomAD); This variant is associated with the following publications: (PMID: 27600704, 32551328, 33063863, 31440721, 26384929, 37025451)

Labcorp Genetics (formerly Invitae), Labcorp
Classification: Pathogenic for Developmental and epileptic encephalopathy, 25. Last evaluated: 2024-04-15. Review status: criteria provided, single submitter. Criteria: Invitae Variant Classification Sherloc (09022015). Collection method: clinical testing. Allele origin: germline.
Comment: This sequence change replaces threonine, which is neutral and polar, with methionine, which is neutral and non-polar, at codon 142 of the SLC13A5 protein (p.Thr142Met). This variant is present in population databases (rs761917087, gnomAD 0.003%). This missense change has been observed in individual(s) with early infantile epileptic encephalopathy and amelogenesis imperfecta and SLC13A5-related conditions (PMID: 26384929, 27600704; Invitae). In at least one individual the data is consistent with being in trans (on the opposite chromosome) from a pathogenic variant. It has also been observed to segregate with disease in related individuals. ClinVar contains an entry for this variant (Variation ID: 218173). Advanced modeling of protein sequence and biophysical properties (such as structural, functional, and spatial information, amino acid conservation, physicochemical variation, residue mobility, and thermodynamic stability) has been performed at Invitae for this missense variant, however the output from this modeling did not meet the statistical confidence thresholds required to predict the impact of this variant on SLC13A5 protein function. Experimental studies have shown that this missense change affects SLC13A5 function (PMID: 26384929). For these reasons, this variant has been classified as Pathogenic.

Broad Center for Mendelian Genomics, Broad Institute of MIT and Harvard
Classification: Likely pathogenic for Developmental and epileptic encephalopathy, 25. Last evaluated: 2021-11-02. Review status: criteria provided, single submitter. Criteria: ACMG Guidelines, 2015. Collection method: curation. Allele origin: germline. Inheritance: Autosomal recessive inheritance.
Comment: The p.Thr142Met variant in SLC13A5 has been reported in 9 individuals across 5 families (PMID: 26384929, 32551328, 33063863, 29138412), and has been identified in in 0.003% (1/30574) of South Asian chromosomes by the Genome Aggregation Database (gnomAD; dbSNP ID: rs761917087). Although this variant has been seen in the general population in a heterozygous state, its frequency is low enough to be consistent with a recessive carrier frequency. Of the 5 families, one had 3 compound heterozygous relatives that carried reported pathogenic variants in trans, two had 2 homozygous relatives, and two had 2 compound heterozygotes that carried a variant of uncertain significance in trans, which increases the likelihood that the p.Thr227Met variant is pathogenic (PMID: 26384929, 32551328, 33063863, 29138412). This variant has also been reported in ClinVar (Variation ID#: 218173) and has been interpreted as likely pathogenic by Invitae and pathogenic by OMIM and Institute of Human Genetics (Klinikum rechts der Isar). In vitro functional studies provide some evidence that the p.Thr142Met variant may slightly impact protein function (PMID: 26384929, 33040525). However, these types of assays may not accurately represent biological function. Computational prediction tools and conservation analyses do not provide strong support for or against an impact to the protein. The p.Thr142Met variant is located in a region of SLC13A5 that is essential to protein folding and stability, suggesting that this variant is in a functional domain and slightly supports pathogenicity (PMID: 33040525). In summary, although additional studies are required to fully establish its clinical significance, this variant is likely pathogenic for autosomal recessive developmental and epileptic encephalopathy, 25. ACMG/AMP Criteria applied: PM2_supporting, PM3, PP1_strong, PS3_supporting, PM1_supporting (Richards 2015).

Genome-Nilou Lab
Classification: Likely pathogenic for Developmental and epileptic encephalopathy, 25. Last evaluated: 2021-07-15. Review status: criteria provided, single submitter. Criteria: ACMG Guidelines, 2015. Collection method: clinical testing. Allele origin: germline. Affected: no.

Cambridge Genomics Laboratory, East Genomic Laboratory Hub, NHS Genomic Medicine Service
Classification: Likely pathogenic for Intellectual disability. Last evaluated: 2020-05-29. Review status: criteria provided, single submitter. Criteria: ACGS Best Practice Guidelines for Variant Classification in Rare Disease 2020. Collection method: clinical testing. Allele origin: germline. Affected: yes. Observed: 1 variant allele.

Institute of Human Genetics Munich, TUM University Hospital
Classification: Pathogenic for Developmental and epileptic encephalopathy, 25. Last evaluated: 2019-06-11. Review status: criteria provided, single submitter. Criteria: Classification criteria August 2017. Collection method: clinical testing. Allele origin: germline. Inheritance: Autosomal recessive inheritance. Affected: yes. Observed: 1 compound heterozygote.

Suma Genomics
Classification: Likely pathogenic for Developmental and epileptic encephalopathy, 25. Review status: criteria provided, single submitter. Criteria: ACMG Guidelines, 2015. Collection method: clinical testing. Allele origin: germline. Inheritance: Autosomal recessive inheritance. Affected: yes. Observed: 1 homozygote.
Comment: A missense variant c.425C>T, p.(Thr142Met) is observed in exon 4 of SLC13A5 in homozygous state. This variant is observed in 19 individuals in the gnomAD database in heterozygous state. ACMG criteria met: PS3_Supporting, PM2_Supporting, and PM3_Very strong

OMIM
Classification: Pathogenic for DEVELOPMENTAL AND EPILEPTIC ENCEPHALOPATHY 25 WITH AMELOGENESIS IMPERFECTA. Last evaluated: 2015-11-01. Review status: no assertion criteria provided. Collection method: literature only. Allele origin: germline. Not counted in ClinVar's aggregate classification.

Literature cited by the submitters: PubMed 26384929 (cited by 3 submitters); PubMed 32551328 (cited by OLLIN Analises Genomicas, OLLIN); PubMed 33063863 (cited by OLLIN Analises Genomicas, OLLIN); PubMed 29138412 (cited by OLLIN Analises Genomicas, OLLIN); PubMed 27600704 (cited by Labcorp Genetics (formerly Invitae), Labcorp).

NM_177550.5(SLC13A5):c.425C>T (p.Thr142Met)

Gene: SLC13A5 (solute carrier family 13 member 5; minus strand). Cytogenetic location: 17p13.1.
Variant type: single nucleotide variant.
Coding change: c.425C>T on transcript NM_177550.5 (MANE Select); coding-DNA position 425, C replaced by T.
Protein change: p.Thr142Met; replaces threonine 142 with methionine.
Molecular consequence: missense variant.
Genome position (GRCh38, 1-based): chr17:6,704,000, G>A on the plus strand (C>T on the coding strand, the complement: SLC13A5 is on the minus strand). VCF-style: chr17-6704000-G-A. GRCh37 (hg19) VCF-style: chr17-6607319-G-A.
Other names: NM_177550.4(SLC13A5):c.425C>T; p.Thr142Met; c.425C>T, p.Thr142Met (NM_001143838.3); c.374C>T, p.Thr125Met (NM_001284509.2); c.296C>T, p.Thr99Met (NM_001284510.2); short protein forms T142M, T99M, T125M.
Identifiers: ClinVar variation 218173 (VCV000218173.26), dbSNP rs761917087, ClinGen allele CA213347.